The following is an entry in ClinVar:

ClinVar aggregate classification (germline): Pathogenic (1 of 4 stars; one submission).

Conditions:
Lysinuric protein intolerance (LPI). Identifiers: Orphanet 470, MedGen C0268647, MONDO:0009109, OMIM 222700.

Submission:

Labcorp Genetics (formerly Invitae), Labcorp
Classification: Pathogenic for Lysinuric protein intolerance. Last evaluated: 2019-12-23. Review status: criteria provided, single submitter. Criteria: Invitae Variant Classification Sherloc (09022015). Collection method: clinical testing. Allele origin: germline.
Comment: This variant is an out-of-frame deletion of the genomic region encompassing exon(s) 4-5 of the SLC7A7 gene. This is expected to create a premature translational stop signal and result in an absent or disrupted protein product. A similar deletion of exons 4-5 has been reported in an individual affected with lysinuric protein intolerance (PMID: 12402335). Loss-of-function variants in SLC7A7 are known to be pathogenic (PMID: 10631139, 17764084). For these reasons, this variant has been classified as Pathogenic.

Literature cited by the submitters: PubMed 12402335.

NC_000014.9:g.(?_22778783)_(22780061_?)del

Gene: SLC7A7 (solute carrier family 7 member 7; minus strand). Cytogenetic location: 14q11.2.
Variant type: Deletion.
Identifiers: ClinVar variation 832882 (VCV000832882.1).